The following is an entry in ClinVar:

ClinVar aggregate classification (germline): Uncertain significance (1 of 4 stars; one submission).

Submission:

Labcorp Genetics (formerly Invitae), Labcorp
Classification: Uncertain significance. Last evaluated: 2022-10-13. Review status: criteria provided, single submitter. Criteria: Invitae Variant Classification Sherloc (09022015). Collection method: clinical testing. Allele origin: germline.
Comment: In summary, the available evidence is currently insufficient to determine the role of this variant in disease. Therefore, it has been classified as a Variant of Uncertain Significance. Algorithms developed to predict the effect of sequence changes on RNA splicing suggest that this variant may create or strengthen a splice site. Advanced modeling of protein sequence and biophysical properties (such as structural, functional, and spatial information, amino acid conservation, physicochemical variation, residue mobility, and thermodynamic stability) performed at Invitae indicates that this missense variant is not expected to disrupt VPS33A protein function. This variant has not been reported in the literature in individuals affected with VPS33A-related conditions. This variant is not present in population databases (gnomAD no frequency). This sequence change replaces valine, which is neutral and non-polar, with leucine, which is neutral and non-polar, at codon 114 of the VPS33A protein (p.Val114Leu).

NM_022916.6(VPS33A):c.340G>T (p.Val114Leu)

Gene: VPS33A (VPS33A core subunit of CORVET and HOPS complexes; minus strand). Cytogenetic location: 12q24.31.
Variant type: single nucleotide variant.
Coding change: c.340G>T on transcript NM_022916.6 (MANE Select); coding-DNA position 340, G replaced by T.
Protein change: p.Val114Leu; replaces valine 114 with leucine.
Molecular consequence: missense variant.
Genome position (GRCh38, 1-based): chr12:122,261,404, C>A on the plus strand (G>T on the coding strand, the complement: VPS33A is on the minus strand). VCF-style: chr12-122261404-C-A. GRCh37 (hg19) VCF-style: chr12-122745951-C-A.
Other names: c.307G>T, p.Val103Leu (NM_001351018.2); c.292G>T, p.Val98Leu (NM_001351019.2); c.340G>T, p.Val114Leu (NM_001351020.2, NM_001351021.2); short protein forms V103L, V114L, V98L.
Identifiers: ClinVar variation 2100065 (VCV002100065.4), dbSNP rs147687101, ClinGen allele CA387023955.
Genomic context (GRCh38, chr12:122,261,404, plus strand): 5'-AGGATCCCAAGACACCCAGATCCTTCAACCGCTGTTCGCACAACAGGCTACGGCGTGGCA[C>A]AAACAGAATATGAAAATCTCTCGTTGGGCCTCGTCTATCTTCACTGCAAAGGAAGCAACA-3'
Protein context (NP_075067.2, residues 104-124): GPTRDFHILF[Val114Leu]PRRSLLCEQR